The following is an entry in ClinVar:

ClinVar aggregate classification (germline): Pathogenic/Likely pathogenic. Review status: criteria provided, multiple submitters, no conflicts (2 of 4 stars). 2 submissions from 2 submitters: Pathogenic (1); Likely pathogenic (1). Last evaluated 2025-03-23.
ClinVar aggregate classification (somatic clinical impact): Tier I - Strong (1 of 4 stars; one submission).

Conditions:
Gastrointestinal stromal tumor. Also called: Gastrointestinal stromal tumor, somatic; Gastrointestinal stroma tumor. Identifiers: Orphanet 44890, MedGen C0238198, MeSH D046152, MONDO:0011719, OMIM 606764, HP:0100723.
Hereditary cancer-predisposing syndrome. Also called: Neoplastic Syndromes, Hereditary; Hereditary Cancer Syndrome; Hereditary neoplastic syndrome; Tumor predisposition. Identifiers: Orphanet 140162, MedGen C0027672, MeSH D009386, MONDO:0015356.
Central nervous system germinoma. Identifiers: MedGen C1333813, MONDO:0002999.

Submissions (3):

Institute for Genomic Medicine (IGM) Clinical Laboratory, Nationwide Children's Hospital
Classification: Tier I - Strong for Central nervous system germinoma. Assertion type: diagnostic. Clinical significance: supports diagnosis. Last evaluated: 2025-10-14. Review status: criteria provided, single submitter. Criteria: AMP/ASCO/CAP Guidelines, 2017. Collection method: clinical testing. Allele origin: somatic. Affected: yes.
Comment: Variant has Tier I (strong) clinical significance as a diagnostic inclusion criterion in central nervous system germinoma, based on the following evidence: 1) Documented in one or more cancer databases (e.g., St. Jude Pecan, COSMIC, CIViC, OncoKB). 2) Appears in one or more well-established professional guidelines (e.g., World Health Organization [WHO]; National Comprehensive Cancer Network [NCCN]) as providing diagnostic, prognostic, or therapeutic information. 3) Information in the literature supports potential biologic effect of variant (PMIDs: 25079768, 10224103). 4) Diagnostic for a specific tumor type/classification based on well-powered studies with expert-level consensus (Evidence Level B; PMIDs: 24452629, 24896186, 27391150).

Ambry Genetics
Classification: Pathogenic for Hereditary cancer-predisposing syndrome. Last evaluated: 2025-03-23. Review status: criteria provided, single submitter. Criteria: Ambry Variant Classification Scheme 2023. Collection method: clinical testing. Allele origin: germline.
Comment: The p.W557R pathogenic mutation (also known as c.1669T>C), located in coding exon 11 of the KIT gene, results from a T to C substitution at nucleotide position 1669. The tryptophan at codon 557 is replaced by arginine, an amino acid with dissimilar properties. This alteration has been observed in multiple individuals with a personal history that is consistent with KIT-related disease and this variant has been shown to segregate in affected individuals in multiple families (Ambry internal data; Hirota S et al. Am J Surg Pathol, 2000 Feb;24:326-7; Antonescu CR et al. Clin Cancer Res, 2003 Aug;9:3329-37; Robson ME et al. Clin Cancer Res, 2004 Feb;10:1250-4; Farag S et al. Fam Cancer, 2018 04;17:247-253). This amino acid position is highly conserved in available vertebrate species. In addition, this alteration is predicted to be deleterious by in silico analysis. Based on the supporting evidence, this alteration is interpreted as a disease-causing mutation.

Labcorp Genetics (formerly Invitae), Labcorp
Classification: Likely pathogenic for Gastrointestinal stromal tumor. Last evaluated: 2019-11-28. Review status: criteria provided, single submitter. Criteria: Invitae Variant Classification Sherloc (09022015). Collection method: clinical testing. Allele origin: germline.
Comment: While functional studies have not been reported for this p.Trp557Arg variant, the tryptophan residue is located in the KIT juxtamembrane domain, which is required for KIT autoinhibition (PMID: 16226710, 12697809). A different substitution at this codon, p.Trp557Ala, was shown to result in loss of phosphorylation inhibition and gain-of-function of the KIT protein (PMID: 10224103). In summary, the currently available evidence indicates that the variant is pathogenic, but additional data are needed to prove that conclusively. Therefore, this variant has been classified as Likely Pathogenic. Algorithms developed to predict the effect of missense changes on protein structure and function (SIFT, PolyPhen-2, Align-GVGD) all suggest that this variant is likely to be disruptive, but these predictions have not been confirmed by published functional studies and their clinical significance is uncertain. This sequence change replaces tryptophan with arginine at codon 557 of the KIT protein (p.Trp557Arg). The tryptophan residue is highly conserved and there is a moderate physicochemical difference between tryptophan and arginine. This variant is not present in population databases (ExAC no frequency). This variant has been reported to segregate with multiple gastrointestinal stromal tumors (GIST), hyperpigmentation and dysphagia in one family (PMID: 14977822), and with GIST in another family (PMID: 10680913). ClinVar contains an entry for this variant (Variation ID: 375909).

Literature cited by the submitters: PubMed 25079768 (cited by Institute for Genomic Medicine (IGM) Clinical Laboratory, Nationwide Children's Hospital); PubMed 10224103 (cited by Institute for Genomic Medicine (IGM) Clinical Laboratory, Nationwide Children's Hospital and Labcorp Genetics (formerly Invitae), Labcorp); PubMed 24452629 (cited by Institute for Genomic Medicine (IGM) Clinical Laboratory, Nationwide Children's Hospital); PubMed 24896186 (cited by Institute for Genomic Medicine (IGM) Clinical Laboratory, Nationwide Children's Hospital); PubMed 27391150 (cited by Institute for Genomic Medicine (IGM) Clinical Laboratory, Nationwide Children's Hospital); PubMed 10680913 (cited by Ambry Genetics and Labcorp Genetics (formerly Invitae), Labcorp); PubMed 12960119 (cited by Ambry Genetics); PubMed 14977822 (cited by Ambry Genetics and Labcorp Genetics (formerly Invitae), Labcorp); PubMed 28710566 (cited by Ambry Genetics); PubMed 16226710 (cited by Labcorp Genetics (formerly Invitae), Labcorp); PubMed 12697809 (cited by Labcorp Genetics (formerly Invitae), Labcorp).

NM_000222.3(KIT):c.1669T>C (p.Trp557Arg)

Gene: KIT (KIT proto-oncogene, receptor tyrosine kinase; plus strand). Cytogenetic location: 4q12.
Variant type: single nucleotide variant.
Coding change: c.1669T>C on transcript NM_000222.3 (MANE Select); coding-DNA position 1669, T replaced by C.
Protein change: p.Trp557Arg; replaces tryptophan 557 with arginine.
Molecular consequence: missense variant.
Genome position (GRCh38, 1-based): chr4:54,727,437, T>C. VCF-style: chr4-54727437-T-C. GRCh37 (hg19) VCF-style: chr4-55593603-T-C.
Other names: c.1657T>C, p.Trp553Arg (NM_001093772.2, NM_001385286.1); c.1672T>C, p.Trp558Arg (NM_001385284.1, NM_001385290.1); c.1669T>C, p.Trp557Arg (NM_001385285.1); c.1660T>C, p.Trp554Arg (NM_001385288.1, NM_001385292.1); short protein forms W557R, W553R, W554R, W558R.
Identifiers: ClinVar variation 375909 (VCV000375909.13), dbSNP rs121913235, ClinGen allele CA16602392.